The following is an entry in ClinVar:

NM_173630.4(RTTN):c.4652C>A (p.Thr1551Lys)

Gene: RTTN (rotatin; minus strand). Cytogenetic location: 18q22.2.
Variant type: single nucleotide variant.
Coding change: c.4652C>A on transcript NM_173630.4 (MANE Select); coding-DNA position 4652, C replaced by A.
Protein change: p.Thr1551Lys; replaces threonine 1551 with lysine.
Molecular consequence: missense variant.
Genome position (GRCh38, 1-based): chr18:70,073,907, G>T on the plus strand (C>A on the coding strand, the complement: RTTN is on the minus strand). VCF-style: chr18-70073907-G-T. GRCh37 (hg19) VCF-style: chr18-67741143-G-T.
Other names: c.1916C>A, p.Thr639Lys (NM_001318520.2); c.4652C>A (NM_173630.3); short protein forms T1551K, T639K.
Identifiers: ClinVar variation 1448562 (VCV001448562.7), dbSNP rs200548446, ClinGen allele CA8995188.
Genomic context (GRCh38, chr18:70,073,907, plus strand): 5'-GCAAACTCAAATTTTTTCAGAGATTCAAAATAAAGGACTTATGCATTCTTTGCAAGTACC[G>T]TTGTTTCTGAGGTGGAGAGAGAACTTGGATCTCGATCCTGACTTGTCCTAGATGGAGCCC-3'
Protein context (NP_775901.3, residues 1541-1561): DPSSLSTSET[Thr1551Lys]VAPSLGSTEF

ClinVar aggregate classification (germline): Uncertain significance. Review status: criteria provided, multiple submitters, no conflicts (2 of 4 stars). 2 submissions from 2 submitters: Uncertain significance (2). Last evaluated 2024-02-26.

Conditions:
Inborn genetic diseases. Identifiers: MedGen C0950123, MeSH D030342.

Allele frequency attached by ClinVar (database versions not stated): ESP Exome Variant Server 0.00008.
gnomAD v4.1: 80 of 1,606,942 alleles (0.005%); highest among the groups gnomAD compares: Non-Finnish European, 0.0063%; no homozygotes.

Submissions (2):

Ambry Genetics
Classification: Uncertain significance for Inborn genetic diseases. Last evaluated: 2024-02-26. Review status: criteria provided, single submitter. Criteria: Ambry Variant Classification Scheme 2023. Collection method: clinical testing. Allele origin: germline.

Labcorp Genetics (formerly Invitae), Labcorp
Classification: Uncertain significance. Last evaluated: 2022-03-22. Review status: criteria provided, single submitter. Criteria: Invitae Variant Classification Sherloc (09022015). Collection method: clinical testing. Allele origin: germline.
Comment: This variant is present in population databases (rs200548446, gnomAD 0.01%). In summary, the available evidence is currently insufficient to determine the role of this variant in disease. Therefore, it has been classified as a Variant of Uncertain Significance. Algorithms developed to predict the effect of missense changes on protein structure and function (SIFT, PolyPhen-2, Align-GVGD) all suggest that this variant is likely to be tolerated. This variant has not been reported in the literature in individuals affected with RTTN-related conditions. This sequence change replaces threonine, which is neutral and polar, with lysine, which is basic and polar, at codon 1551 of the RTTN protein (p.Thr1551Lys).